The following is an entry in ClinVar:

ClinVar aggregate classification (germline): Likely pathogenic (1 of 4 stars; one submission).

Conditions:
Myopathy, lactic acidosis, and sideroblastic anemia. Also called: Mitochondrial myopathy and sideroblastic anemia; Myopathy with lactic acidosis and sideroblastic anemia. Identifiers: Orphanet 2598, MedGen C1838103, MONDO:0000863.

Submission:

Natera, Inc.
Classification: Likely pathogenic for Mitochondrial myopathy and sideroblastic anemia. Last evaluated: 2025-05-08. Review status: criteria provided, single submitter. Criteria: Natera Variant Classification Schema (03/2026). Collection method: clinical testing. Allele origin: germline.
Comment: The c.109_115del variant in PUS1 is a frameshift variant predicted to shift the reading frame beginning at codon 37 and leads to a stop codon 96 codons downstream. This variant is expected to result in nonsense mediated decay, truncation, or a dysfunctional protein product. This variant is rare in the general population with a frequency below the threshold expected for the associated phenotype(s). Given the available evidence, this variant is classified as Likely Pathogenic.

NM_025215.6(PUS1):c.109_115del (p.Pro37fs)

Genes: PUS1 (pseudouridine synthase 1; plus strand), LOC130009240 (ATAC-STARR-seq lymphoblastoid silent region 5107; plus strand). Cytogenetic location: 12q24.33.
Variant type: Deletion.
Coding change: c.109_115del on transcript NM_025215.6 (MANE Select); coding-DNA positions 109 to 115, 7 bases deleted (CCCGCCG; older notation c.109_115delCCCGCCG).
Protein change: p.Pro37fs; shifts the reading frame from proline 37.
Molecular consequence: frameshift variant.
Genome position (GRCh38, 1-based): chr12:131,929,941-131,929,947, CCCGCCG deleted; deleting any 7 consecutive bases within chr12:131,929,935-131,929,947 gives the same sequence; the c. name uses the placement nearest the transcript's 3' end. VCF-style (leftmost placement, unchanged base first): chr12-131929934-GCCGCCGC-G. GRCh37 (hg19) VCF-style: chr12-132414479-GCCGCCGC-G.
Other names: c.25_31del, p.Pro9fs (NM_001002020.3, NM_001002019.3); short protein forms P37fs, P9fs.
Identifiers: ClinVar variation 4060561 (VCV004060561.2).
Genomic context (GRCh38, chr12:131,929,934, plus strand): 5'-GCGGGCCCCCGCTCACGCCGCCCTTCTCCGCAGCTCGCCGCGCATGGCCGGGAACGCGGA[GCCGCCGC>G]CCGCCGGAGCCGCATGCCCCCAGGACCGGAGGTCCTGCAGCGGCCGGGCCGGGGGCGACC-3'